The following is an entry in ClinVar:

ClinVar aggregate classification (germline): Conflicting classifications of pathogenicity. Review status: criteria provided, conflicting classifications (1 of 4 stars). 2 submissions from 2 submitters: Pathogenic (1); Uncertain significance (1). Last evaluated 2025-08-28.

Conditions:
Baraitser-Winter syndrome 1 (BRWS1). Also called: BARAITSER-WINTER SYNDROME 1, ATYPICAL; PACHYGYRIA, MENTAL RETARDATION, EPILEPSY, AND CHARACTERISTIC FACIES; MENTAL RETARDATION WITH EPILEPSY AND CHARACTERISTIC FACIES; Cerebrofrontofacial syndrome. Identifiers: Orphanet 2649, Orphanet 2995, MedGen C1855722, MONDO:0009470, OMIM 243310.

Submissions (2):

GeneDx
Classification: Pathogenic. Last evaluated: 2025-08-28. Review status: criteria provided, single submitter. Criteria: GeneDx Variant Classification Process June 2021. Collection method: clinical testing. Allele origin: germline.
Comment: Not observed at significant frequency in large population cohorts (gnomAD); In silico analysis supports that this missense variant has a deleterious effect on protein structure/function; Missense variants in this gene are a common cause of disease and they are underrepresented in the general population; This variant is associated with the following publications: (PMID: 37500730, 25156961)

Labcorp Genetics (formerly Invitae), Labcorp
Classification: Uncertain significance for Baraitser-Winter syndrome 1. Last evaluated: 2019-06-22. Review status: criteria provided, single submitter. Criteria: Invitae Variant Classification Sherloc (09022015). Collection method: clinical testing. Allele origin: germline.
Comment: In summary, the available evidence is currently insufficient to determine the role of this variant in disease. Therefore, it has been classified as a Variant of Uncertain Significance. Algorithms developed to predict the effect of missense changes on protein structure and function (SIFT, PolyPhen-2, Align-GVGD) all suggest that this variant is likely to be disruptive, but these predictions have not been confirmed by published functional studies and their clinical significance is uncertain. This variant has been observed in an individual affected with clinical features of Baraitser-Winter syndrome (PMID: 25156961). This variant is not present in population databases (ExAC no frequency). This sequence change replaces glycine with serine at codon 245 of the ACTB protein (p.Gly245Ser). The glycine residue is highly conserved and there is a small physicochemical difference between glycine and serine.

Literature cited by the submitters: PubMed 25156961 (cited by Labcorp Genetics (formerly Invitae), Labcorp).

NM_001101.5(ACTB):c.733G>A (p.Gly245Ser)

Gene: ACTB (actin beta; minus strand). Cytogenetic location: 7p22.1.
Variant type: single nucleotide variant.
Coding change: c.733G>A on transcript NM_001101.5 (MANE Select); coding-DNA position 733, G replaced by A.
Protein change: p.Gly245Ser; replaces glycine 245 with serine.
Molecular consequence: missense variant.
Genome position (GRCh38, 1-based): chr7:5,528,350, C>T on the plus strand (G>A on the coding strand, the complement: ACTB is on the minus strand). VCF-style: chr7-5528350-C-T. GRCh37 (hg19) VCF-style: chr7-5567981-C-T.
Other names: short protein forms G245S.
Identifiers: ClinVar variation 950805 (VCV000950805.11), dbSNP rs1784809823, ClinGen allele CA366701988.